The following is an entry in ClinVar:

NM_001042432.2(CLN3):c.-105T>A

Gene: CLN3 (CLN3 lysosomal/endosomal transmembrane protein, battenin; minus strand). Cytogenetic location: 16p12.1.
Variant type: single nucleotide variant.
Coding change: c.-105T>A on transcript NM_001042432.2 (MANE Select); 105 bases upstream of the start codon, T replaced by A.
Molecular consequence: 5 prime UTR variant.
Genome position (GRCh38, 1-based): chr16:28,492,048, A>T on the plus strand (T>A on the coding strand, the complement: CLN3 is on the minus strand). VCF-style: chr16-28492048-A-T. GRCh37 (hg19) VCF-style: chr16-28503369-A-T.
Other names: c.-289T>A (NM_000086.2); c.-105T>A (NM_001286104.2); c.-430T>A (NM_001286105.2); c.-372T>A (NM_001286109.2, NM_001286110.2).
Identifiers: ClinVar variation 673497 (VCV000673497.1), dbSNP rs73533476, ClinGen allele CA14336219.

ClinVar aggregate classification (germline): Likely benign (1 of 4 stars; one submission).

Allele frequency attached by ClinVar (database versions not stated): gnomAD exomes 0.00156; gnomAD 0.01203 and 0.01287; 1000 Genomes Project 0.01338; 1000 Genomes Project 30x 0.01359; TOPMed 0.01397.
gnomAD v4.1: 2,431 of 529,848 alleles (0.46%); highest among the groups gnomAD compares: African/African-American, 4.2%; 42 homozygotes.

Submission:

GeneDx
Classification: Likely benign. Last evaluated: 2018-06-19. Review status: criteria provided, single submitter. Criteria: GeneDx Variant Classification (06012015). Collection method: clinical testing. Allele origin: germline. Affected: yes.
Comment: This variant is considered likely benign or benign based on one or more of the following criteria: it is a conservative change, it occurs at a poorly conserved position in the protein, it is predicted to be benign by multiple in silico algorithms, and/or has population frequency not consistent with disease.